The following is an entry in ClinVar:

NM_006147.4(IRF6):c.1315_1317del (p.Leu439del)

Gene: IRF6 (interferon regulatory factor 6; minus strand). Cytogenetic location: 1q32.2.
Variant type: Deletion.
Coding change: c.1315_1317del on transcript NM_006147.4 (MANE Select); coding-DNA positions 1315 to 1317, 3 bases deleted (CTG; older notation c.1315_1317delCTG).
Protein change: p.Leu439del; deletes leucine 439.
Genome position (GRCh38, 1-based): chr1:209,788,507-209,788,509, CAG deleted on the plus strand (CTG on the coding strand, the reverse complement: IRF6 is on the minus strand); deleting any 3 consecutive bases within chr1:209,788,507-209,788,510 gives the same sequence; the c. name uses the placement nearest the transcript's 3' end. VCF-style (leftmost placement, unchanged base first): chr1-209788506-ACAG-A. GRCh37 (hg19) VCF-style: chr1-209961851-ACAG-A.
Other names: c.1030_1032del, p.Leu344del (NM_001206696.2); short protein forms L344del, L439del.
Identifiers: ClinVar variation 4789128 (VCV004789128.1).

ClinVar aggregate classification (germline): Uncertain significance (1 of 4 stars; one submission).

Conditions:
Orofacial cleft 6, susceptibility to (OFC6). Also called: CLEFT LIP WITH OR WITHOUT CLEFT PALATE, NONSYNDROMIC, 6. Identifiers: MedGen C1837213, MONDO:0012141, OMIM 608864.
Popliteal pterygium syndrome (PPS). Identifiers: Orphanet 294963, MedGen C0265259, MONDO:0017435.
Van der Woude syndrome. Identifiers: Orphanet 888, MedGen C0175697, MONDO:0019508.

Submission:

Labcorp Genetics (formerly Invitae), Labcorp
Classification: Uncertain significance for Orofacial cleft 6, susceptibility to; Van der Woude syndrome; Popliteal pterygium syndrome. Last evaluated: 2025-07-08. Review status: criteria provided, single submitter. Criteria: Invitae Variant Classification Sherloc (09022015). Collection method: clinical testing. Allele origin: germline.
Comment: This variant, c.1315_1317del, results in the deletion of 1 amino acid(s) of the IRF6 protein (p.Leu439del), but otherwise preserves the integrity of the reading frame. This variant is not present in population databases (gnomAD no frequency). This variant has not been reported in the literature in individuals affected with IRF6-related conditions. Experimental studies and prediction algorithms are not available or were not evaluated, and the functional significance of this variant is currently unknown. In summary, the available evidence is currently insufficient to determine the role of this variant in disease. Therefore, it has been classified as a Variant of Uncertain Significance.